The following is an entry in ClinVar:

ClinVar aggregate classification (germline): Uncertain significance (1 of 4 stars; one submission).

gnomAD v4.1: 47 of 1,613,700 alleles (0.0029%); highest among the groups gnomAD compares: African/African-American, 0.061%; no homozygotes.

Submission:

Labcorp Genetics (formerly Invitae), Labcorp
Classification: Uncertain significance. Last evaluated: 2024-08-23. Review status: criteria provided, single submitter. Criteria: Invitae Variant Classification Sherloc (09022015). Collection method: clinical testing. Allele origin: germline.
Comment: This sequence change replaces threonine, which is neutral and polar, with serine, which is neutral and polar, at codon 513 of the TCF12 protein (p.Thr513Ser). This variant is present in population databases (rs373746385, gnomAD 0.07%), and has an allele count higher than expected for a pathogenic variant. This variant has not been reported in the literature in individuals affected with TCF12-related conditions. Invitae Evidence Modeling of protein sequence and biophysical properties (such as structural, functional, and spatial information, amino acid conservation, physicochemical variation, residue mobility, and thermodynamic stability) indicates that this missense variant is not expected to disrupt TCF12 protein function with a negative predictive value of 80%. In summary, the available evidence is currently insufficient to determine the role of this variant in disease. Therefore, it has been classified as a Variant of Uncertain Significance.

NM_207037.2(TCF12):c.1537A>T (p.Thr513Ser)

Gene: TCF12 (transcription factor 12; plus strand). Cytogenetic location: 15q21.3.
Variant type: single nucleotide variant.
Coding change: c.1537A>T on transcript NM_207037.2 (MANE Select); coding-DNA position 1537, A replaced by T.
Protein change: p.Thr513Ser; replaces threonine 513 with serine.
Molecular consequence: missense variant.
Genome position (GRCh38, 1-based): chr15:57,262,163, A>T. VCF-style: chr15-57262163-A-T. GRCh37 (hg19) VCF-style: chr15-57554361-A-T.
Other names: c.1537A>T, p.Thr513Ser (NM_001322162.2, NM_207036.2, NM_001322151.2 and 2 more transcripts); c.1501A>T, p.Thr501Ser (NM_001322164.2); c.1465A>T, p.Thr489Ser (NM_001322165.2, NM_003205.4, NM_207038.2 and 1 more transcripts); c.955A>T, p.Thr319Ser (NM_207040.2); c.1027A>T, p.Thr343Ser (NM_001306219.3); c.757A>T, p.Thr253Ser (NM_001306220.3); c.880A>T, p.Thr294Ser (NM_001322154.2); c.1363A>T, p.Thr455Ser (NM_001322156.2); and 2 more; short protein forms T294S, T253S, T431S, T455S, T513S, T319S, T489S, T501S.
Identifiers: ClinVar variation 3711983 (VCV003711983.2).